The following is an entry in ClinVar:

NM_138927.4(SON):c.142G>C (p.Asp48His)

Gene: SON (SON DNA and RNA binding protein; plus strand). Cytogenetic location: 21q22.11.
Variant type: single nucleotide variant.
Coding change: c.142G>C on transcript NM_138927.4 (MANE Select); coding-DNA position 142, G replaced by C.
Protein change: p.Asp48His; replaces aspartic acid 48 with histidine.
Molecular consequence: missense variant. On other transcripts: non-coding transcript variant (1).
Genome position (GRCh38, 1-based): chr21:33,546,277, G>C. VCF-style: chr21-33546277-G-C. GRCh37 (hg19) VCF-style: chr21-34918583-G-C.
Other names: c.142G>C, p.Asp48His (NM_001291411.2, NM_001291412.3, NM_032195.3); short protein forms D48H.
Identifiers: ClinVar variation 3627555 (VCV003627555.2).

ClinVar aggregate classification (germline): Uncertain significance (1 of 4 stars; one submission).

gnomAD v4.1: 8 of 1,613,876 alleles (0.0005%); highest among the groups gnomAD compares: Non-Finnish European, 0.00068%; no homozygotes.

Submission:

Labcorp Genetics (formerly Invitae), Labcorp
Classification: Uncertain significance. Last evaluated: 2024-02-03. Review status: criteria provided, single submitter. Criteria: Invitae Variant Classification Sherloc (09022015). Collection method: clinical testing. Allele origin: germline.
Comment: This sequence change replaces aspartic acid, which is acidic and polar, with histidine, which is basic and polar, at codon 48 of the SON protein (p.Asp48His). This variant is not present in population databases (gnomAD no frequency). This variant has not been reported in the literature in individuals affected with SON-related conditions. An algorithm developed to predict the effect of missense changes on protein structure and function (PolyPhen-2) suggests that this variant is likely to be disruptive. In summary, the available evidence is currently insufficient to determine the role of this variant in disease. Therefore, it has been classified as a Variant of Uncertain Significance.